The following is an entry in ClinVar:

ClinVar aggregate classification (germline): Uncertain significance. Review status: criteria provided, multiple submitters, no conflicts (2 of 4 stars). 2 submissions from 2 submitters: Uncertain significance (2). Last evaluated 2023-08-04.

Conditions:
Marinesco-Sjögren syndrome (MSS). Also called: Marinesco-Sjogren Syndrome; Marinesco-SjÃ¶gren syndrome. Identifiers: Orphanet 559, MedGen C0024814, MONDO:0009567, OMIM 248800.

Allele frequency attached by ClinVar (database versions not stated): gnomAD exomes below 0.00001; gnomAD 0.00001; TOPMed 0.00001; ExAC 0.00002.
gnomAD v4.1: 7 of 1,614,094 alleles (0.00043%); highest among the groups gnomAD compares: Admixed American, 0.005%; no homozygotes.

Submissions (2):

Labcorp Genetics (formerly Invitae), Labcorp
Classification: Uncertain significance for Marinesco-Sjögren syndrome. Last evaluated: 2023-08-04. Review status: criteria provided, single submitter. Criteria: Invitae Variant Classification Sherloc (09022015). Collection method: clinical testing. Allele origin: germline.
Comment: In summary, the available evidence is currently insufficient to determine the role of this variant in disease. Therefore, it has been classified as a Variant of Uncertain Significance. Advanced modeling of protein sequence and biophysical properties (such as structural, functional, and spatial information, amino acid conservation, physicochemical variation, residue mobility, and thermodynamic stability) performed at Invitae indicates that this missense variant is not expected to disrupt SIL1 protein function. ClinVar contains an entry for this variant (Variation ID: 1380766). This variant has not been reported in the literature in individuals affected with SIL1-related conditions. This variant is present in population databases (rs749736520, gnomAD 0.009%). This sequence change replaces glutamic acid, which is acidic and polar, with lysine, which is basic and polar, at codon 59 of the SIL1 protein (p.Glu59Lys).

Revvity Omics, Revvity
Classification: Uncertain significance for Marinesco-Sjögren syndrome. Last evaluated: 2019-08-17. Review status: criteria provided, single submitter. Criteria: ACMG Guidelines, 2015. Collection method: clinical testing. Allele origin: germline.

NM_022464.5(SIL1):c.175G>A (p.Glu59Lys)

Gene: SIL1 (SIL1 nucleotide exchange factor; minus strand). Cytogenetic location: 5q31.2.
Variant type: single nucleotide variant.
Coding change: c.175G>A on transcript NM_022464.5 (MANE Select); coding-DNA position 175, G replaced by A.
Protein change: p.Glu59Lys; replaces glutamic acid 59 with lysine.
Molecular consequence: missense variant.
Genome position (GRCh38, 1-based): chr5:139,121,104, C>T on the plus strand (G>A on the coding strand, the complement: SIL1 is on the minus strand). VCF-style: chr5-139121104-C-T. GRCh37 (hg19) VCF-style: chr5-138456793-C-T.
Other names: c.175G>A (NM_022464.4); c.175G>A, p.Glu59Lys (NM_001037633.2); short protein forms E59K.
Identifiers: ClinVar variation 1380766 (VCV001380766.6), dbSNP rs749736520, ClinGen allele CA3432669.